The following is an entry in ClinVar:

ClinVar aggregate classification (germline): Pathogenic (1 of 4 stars; one submission).

Conditions:
Tuberous sclerosis syndrome (TSC). Also called: Tuberous Sclerosis Complex; Tuberous sclerosis. Identifiers: Orphanet 805, MedGen C0041341, MONDO:0001734.

Submission:

Cambridge Genomics Laboratory, East Genomic Laboratory Hub, NHS Genomic Medicine Service
Classification: Pathogenic for Tuberous sclerosis. Last evaluated: 2024-09-19. Review status: criteria provided, single submitter. Criteria: ACGS Best Practice Guidelines for Variant Classification in Rare Disease 2020. Collection method: clinical testing. Allele origin: germline. Affected: yes.
Comment: PVS1,PM2,PP4

NM_000548.5(TSC2):c.481+1G>C

Gene: TSC2 (TSC complex subunit 2; plus strand). Cytogenetic location: 16p13.3.
Variant type: single nucleotide variant.
Coding change: c.481+1G>C on transcript NM_000548.5 (MANE Select); the canonical splice donor site of the intron after coding-DNA position 481, G replaced by C.
Molecular consequence: splice donor variant. On other transcripts: intron variant (6).
Genome position (GRCh38, 1-based): chr16:2,054,441, G>C. VCF-style: chr16-2054441-G-C. GRCh37 (hg19) VCF-style: chr16-2104442-G-C.
Other names: c.-832+1G>C (NM_001406694.1, NM_001406695.1); c.-939+1G>C (NM_001406696.1); c.481+1G>C (NM_001406671.1, NM_001406673.1, NM_001114382.3 and 8 more transcripts); c.36+1G>C (NM_001406681.1); c.370+1G>C (NM_001406670.1, NM_001318827.2, NM_001406678.1); c.-1-1755G>C (NM_001406682.1, NM_001406684.1, NM_001406685.1 and 3 more transcripts); c.424+1G>C (NM_001406677.1); c.334+1G>C (NM_001406675.1, NM_001406676.1, NM_001318829.2 and 1 more transcripts); and 6 more.
Identifiers: ClinVar variation 4682104 (VCV004682104.1).